The following is an entry in ClinVar:

NM_006206.6(PDGFRA):c.85T>C (p.Ser29Pro)

Gene: PDGFRA (platelet derived growth factor receptor alpha; plus strand). Cytogenetic location: 4q12.
Variant type: single nucleotide variant.
Coding change: c.85T>C on transcript NM_006206.6 (MANE Select); coding-DNA position 85, T replaced by C.
Protein change: p.Ser29Pro; replaces serine 29 with proline.
Molecular consequence: missense variant.
Genome position (GRCh38, 1-based): chr4:54,261,130, T>C. VCF-style: chr4-54261130-T-C. GRCh37 (hg19) VCF-style: chr4-55127297-T-C.
Other names: c.85T>C, p.Ser29Pro (NM_001347827.2, NM_001347829.2); c.160T>C, p.Ser54Pro (NM_001347828.2); c.124T>C, p.Ser42Pro (NM_001347830.2); short protein forms S29P, S42P, S54P.
Identifiers: ClinVar variation 939895 (VCV000939895.12), dbSNP rs746846673, ClinGen allele CA2922230.
Genomic context (GRCh38, chr4:54,261,130, plus strand): 5'-ATTCAGAGCGTGCTTCCTTTTGCAGGGCTGAGCCTAATCCTCTGCCAGCTTTCATTACCC[T>C]CTATCCTTCCAAATGAAAATGAAAAGGTTGTGCAGCTGAATTCATCCTTTTCTCTGAGAT-3'
Protein context (NP_006197.1, residues 19-39): SLILCQLSLP[Ser29Pro]ILPNENEKVV

ClinVar aggregate classification (germline): Conflicting classifications of pathogenicity. Review status: criteria provided, conflicting classifications (1 of 4 stars). 2 submissions from 2 submitters: Uncertain significance (1); Likely benign (1). Last evaluated 2025-04-14.

Conditions:
Hereditary cancer-predisposing syndrome. Also called: Hereditary neoplastic syndrome; Neoplastic Syndromes, Hereditary; Hereditary Cancer Syndrome; Tumor predisposition. Identifiers: Orphanet 140162, MedGen C0027672, MeSH D009386, MONDO:0015356.
Gastrointestinal stromal tumor. Also called: Gastrointestinal stromal tumor, somatic; Gastrointestinal stroma tumor. Identifiers: Orphanet 44890, MedGen C0238198, MeSH D046152, MONDO:0011719, OMIM 606764, HP:0100723.

Allele frequency attached by ClinVar (database versions not stated): gnomAD exomes below 0.00001 and 0.00001; ExAC 0.00001.
gnomAD v4.1: 3 of 1,614,190 alleles (0.00019%); highest among the groups gnomAD compares: South Asian, 0.0033%; no homozygotes.

Submissions (2):

Labcorp Genetics (formerly Invitae), Labcorp
Classification: Uncertain significance for Gastrointestinal stromal tumor. Last evaluated: 2025-04-14. Review status: criteria provided, single submitter. Criteria: Invitae Variant Classification Sherloc (09022015). Collection method: clinical testing. Allele origin: germline.
Comment: This sequence change replaces serine, which is neutral and polar, with proline, which is neutral and non-polar, at codon 29 of the PDGFRA protein (p.Ser29Pro). This variant is present in population databases (rs746846673, gnomAD 0.006%). This variant has not been reported in the literature in individuals affected with PDGFRA-related conditions. ClinVar contains an entry for this variant (Variation ID: 939895). Invitae Evidence Modeling of protein sequence and biophysical properties (such as structural, functional, and spatial information, amino acid conservation, physicochemical variation, residue mobility, and thermodynamic stability) indicates that this missense variant is not expected to disrupt PDGFRA protein function with a negative predictive value of 80%. In summary, the available evidence is currently insufficient to determine the role of this variant in disease. Therefore, it has been classified as a Variant of Uncertain Significance.

Ambry Genetics
Classification: Likely benign for Hereditary cancer-predisposing syndrome. Last evaluated: 2021-10-31. Review status: criteria provided, single submitter. Criteria: Ambry Variant Classification Scheme 2023. Collection method: clinical testing. Allele origin: germline.